The following is an entry in ClinVar:

NM_024426.6(WT1):c.764T>A (p.Met255Lys)

Gene: WT1 (WT1 transcription factor; minus strand). Cytogenetic location: 11p13.
Variant type: single nucleotide variant.
Coding change: c.764T>A on transcript NM_024426.6 (MANE Select); coding-DNA position 764, T replaced by A.
Protein change: p.Met255Lys; replaces methionine 255 with lysine.
Molecular consequence: missense variant. On other transcripts: non-coding transcript variant (1).
Genome position (GRCh38, 1-based): chr11:32,428,517, A>T on the plus strand (T>A on the coding strand, the complement: WT1 is on the minus strand). VCF-style: chr11-32428517-A-T. GRCh37 (hg19) VCF-style: chr11-32450063-A-T.
Other names: c.764T>A, p.Met255Lys (NM_000378.6, NM_001407044.1, NM_001407045.1 and 4 more transcripts); c.113T>A, p.Met38Lys (NM_001198551.2, NM_001198552.2); c.2T>A, p.Met1Lys (NM_001407051.1); c.749T>A, p.Met250Lys (NM_024425.2); short protein forms M38K, M255K, M1K.
Identifiers: ClinVar variation 180586 (VCV000180586.20), dbSNP rs377573993, ClinGen allele CA016452.

ClinVar aggregate classification (germline): Conflicting classifications of pathogenicity. Review status: criteria provided, conflicting classifications (1 of 4 stars). 7 submissions from 7 submitters: Uncertain significance (1); Benign (1); Likely benign (4). 1 of the submissions does not count toward it. Last evaluated 2025-11-30.

Conditions:
Inborn genetic diseases. Identifiers: MedGen C0950123, MeSH D030342.
WT1-related disorder. Also called: WT1-related disorders. Identifiers: MedGen CN377814.
Wilms tumor 1 (WT1). Also called: Wilms tumor, somatic. Identifiers: Orphanet 654, MedGen CN033288, MONDO:0008679, OMIM 194070.
11p partial monosomy syndrome (WAGR). Also called: WAGR syndrome; WAGR Complex; WAGR Spectrum Disorder; CHROMOSOME 11p13 DELETION SYNDROME. Identifiers: Orphanet 893, MedGen C0206115, MONDO:0008681, OMIM 194072.
Frasier syndrome. Identifiers: Orphanet 347, MedGen C0950122, MeSH D052159, MONDO:0007635, OMIM 136680.
Drash syndrome (DDS). Also called: NEPHROPATHY, WILMS TUMOR, AND GENITAL ANOMALIES; WILMS TUMOR AND PSEUDO- OR TRUE HERMAPHRODITISM. Identifiers: Orphanet 220, MedGen C0950121, MONDO:0008682, OMIM 194080.
Nephrotic syndrome, type 4 (NPHS4). Also called: Familial mesangial sclerosis; Nephrotic syndrome, early onset with diffuse mesangial sclerosis. Identifiers: Orphanet 656, MedGen C3151568, MONDO:0009733, OMIM 256370.
Mesothelioma, malignant (MESOM). Also called: Malignant mesothelioma (disease). Identifiers: Orphanet 50251, MedGen C0345967, MONDO:0006292, OMIM 156240, HP:0100001.
Aniridia 1 (AN1). Identifiers: Orphanet 250923, MedGen C0344542, MONDO:0024507, OMIM 106210.
Meacham syndrome. Also called: Meacham Winn Culler syndrome. Identifiers: Orphanet 3097, MedGen C1837026, MONDO:0012164, OMIM 608978.

Allele frequency attached by ClinVar (database versions not stated): gnomAD below 0.00001 and 0.00005; TOPMed below 0.00001; 1000 Genomes Project 0.00020; gnomAD exomes 0.00024; ExAC 0.00027; 1000 Genomes Project 30x 0.00031.
gnomAD v4.1: 143 of 1,614,144 alleles (0.0089%); highest among the groups gnomAD compares: South Asian, 0.15%; no homozygotes.

Submissions (7):

Labcorp Genetics (formerly Invitae), Labcorp
Classification: Likely benign for Wilms tumor 1; Drash syndrome; 11p partial monosomy syndrome; Frasier syndrome. Last evaluated: 2025-11-30. Review status: criteria provided, single submitter. Criteria: Invitae Variant Classification Sherloc (09022015). Collection method: clinical testing. Allele origin: germline.

Color Diagnostics, LLC DBA Color Health
Classification: Likely benign for Wilms tumor 1. Last evaluated: 2025-08-29. Review status: criteria provided, single submitter. Criteria: ACMG Guidelines, 2015. Collection method: clinical testing. Allele origin: germline.

Ambry Genetics
Classification: Benign for Inborn genetic diseases. Last evaluated: 2024-10-28. Review status: criteria provided, single submitter. Criteria: Ambry Variant Classification Scheme 2023. Collection method: clinical testing. Allele origin: germline.

Blueprint Genetics
Classification: Likely benign. Last evaluated: 2024-04-12. Review status: criteria provided, single submitter. Criteria: ACMG Guidelines, 2015. Collection method: clinical testing. Allele origin: germline.

GeneDx
Classification: Uncertain significance. Last evaluated: 2024-03-06. Review status: criteria provided, single submitter. Criteria: GeneDx Variant Classification Process June 2021. Collection method: clinical testing. Allele origin: germline.
Comment: In silico analysis supports that this missense variant has a deleterious effect on protein structure/function; Observed in an individual with congenital nephrotic syndrome (PMID: 33980730); This variant is associated with the following publications: (PMID: 8486616, 33980730)

Fulgent Genetics
Classification: Likely benign for Aniridia 1; Frasier syndrome; Mesothelioma, malignant; Wilms tumor 1; 11p partial monosomy syndrome; Drash syndrome; Nephrotic syndrome, type 4; Meacham syndrome. Last evaluated: 2021-10-04. Review status: criteria provided, single submitter. Criteria: ACMG Guidelines, 2015. Collection method: clinical testing. Allele origin: unknown.

PreventionGenetics, part of Exact Sciences
Classification: Likely benign for WT1-related condition. Last evaluated: 2022-03-07. Review status: no assertion criteria provided. Collection method: clinical testing. Allele origin: germline. Not counted in ClinVar's aggregate classification.
Comment: This variant is classified as likely benign based on ACMG/AMP sequence variant interpretation guidelines (Richards et al. 2015 PMID: 25741868, with internal and published modifications).